The following is an entry in ClinVar:

NM_000264.5(PTCH1):c.2561-2027G>A

Genes: PTCH1 (patched 1; minus strand), LOC100507346 (uncharacterized LOC100507346; plus strand). Cytogenetic location: 9q22.32.
Variant type: single nucleotide variant.
Coding change: c.2561-2027G>A on transcript NM_000264.5 (MANE Select); 2027 bases into the intron before coding-DNA position 2561, G replaced by A.
Molecular consequence: intron variant.
Genome position (GRCh38, 1-based): chr9:95,464,025, C>T on the plus strand (G>A on the coding strand, the complement: PTCH1 is on the minus strand). VCF-style: chr9-95464025-C-T. GRCh37 (hg19) VCF-style: chr9-98226307-C-T.
Other names: c.2558-2027G>A (NM_001083603.3); c.2363-2027G>A (NM_001083602.3); c.2405-2027G>A (NM_001354918.2); c.2108-2027G>A (NM_001083605.3, NM_001083604.3, NM_001083606.3 and 1 more transcripts).
Identifiers: ClinVar variation 672692 (VCV000672692.1), dbSNP rs28493225, ClinGen allele CA16368245.
Genomic context (GRCh38, chr9:95,464,025, plus strand): 5'-GGGTCCCCAAAATCTGGGGGCGGTTTTATGATATTCACACACAAAGACTTCTGGGACACC[C>T]GAGGGTGAAACAAAGGAAGAAAGATCCTATCTGGGGAGGTCAGCCTTGCTGGAAACTCGA-3'

ClinVar aggregate classification (germline): Benign (1 of 4 stars; one submission).

Allele frequency attached by ClinVar (database versions not stated): 1000 Genomes Project 0.09565; 1000 Genomes Project 30x 0.09603; gnomAD 0.10863 and 0.11236; TOPMed 0.10989.
gnomAD v4.1: 16,439 of 152,162 alleles (11%); highest among the groups gnomAD compares: African/African-American, 16%; 1,022 homozygotes.

Submission:

GeneDx
Classification: Benign. Last evaluated: 2018-06-14. Review status: criteria provided, single submitter. Criteria: GeneDx Variant Classification (06012015). Collection method: clinical testing. Allele origin: germline. Affected: yes.
Comment: This variant is considered likely benign or benign based on one or more of the following criteria: it is a conservative change, it occurs at a poorly conserved position in the protein, it is predicted to be benign by multiple in silico algorithms, and/or has population frequency not consistent with disease.